The following is an entry in ClinVar:

NM_000059.4(BRCA2):c.1963C>G (p.Pro655Ala)

Gene: BRCA2 (BRCA2 DNA repair associated; plus strand). Cytogenetic location: 13q13.1.
Variant type: single nucleotide variant.
Coding change: c.1963C>G on transcript NM_000059.4 (MANE Select); coding-DNA position 1963, C replaced by G.
Protein change: p.Pro655Ala; replaces proline 655 with alanine.
Molecular consequence: missense variant. On other transcripts: non-coding transcript variant (1), intron variant (2).
Genome position (GRCh38, 1-based): chr13:32,336,318, C>G. VCF-style: chr13-32336318-C-G. GRCh37 (hg19) VCF-style: chr13-32910455-C-G.
Other names: c.1963C>G, p.Pro655Ala (NM_001406719.1, NM_001406720.1, NM_001432077.1); c.1909+2931C>G (NM_001406721.1); c.424+5288C>G (NM_001406722.1); short protein forms P655A.
Identifiers: ClinVar variation 4802280 (VCV004802280.2).

ClinVar aggregate classification (germline): Uncertain significance. Review status: criteria provided, multiple submitters, no conflicts (2 of 4 stars). 2 submissions from 2 submitters: Uncertain significance (2). Last evaluated 2026-03-30.

Conditions:
Hereditary breast ovarian cancer syndrome. Also called: Hereditary breast and ovarian cancer syndrome (HBOC); Hereditary breast and ovarian cancer syndrome; Breast and ovarian cancer; Hereditary breast and/or ovarian cancer syndrome; Hereditary breast and ovarian cancer; BRCA1- and BRCA2-Associated Hereditary Breast and Ovarian Cancer. Identifiers: Orphanet 145, MedGen C0677776, MeSH D061325, MONDO:0003582. Disease mechanism: loss of function.
Hereditary cancer-predisposing syndrome. Also called: Hereditary neoplastic syndrome; Neoplastic Syndromes, Hereditary; Tumor predisposition; Hereditary Cancer Syndrome. Identifiers: Orphanet 140162, MedGen C0027672, MeSH D009386, MONDO:0015356.

Submissions (2):

Ambry Genetics
Classification: Uncertain significance for Hereditary cancer-predisposing syndrome. Last evaluated: 2026-03-30. Review status: criteria provided, single submitter. Criteria: Ambry Variant Classification Scheme 2023. Collection method: clinical testing. Allele origin: germline.
Comment: The p.P655A variant (also known as c.1963C>G), located in coding exon 10 of the BRCA2 gene, results from a C to G substitution at nucleotide position 1963. The proline at codon 655 is replaced by alanine, an amino acid with highly similar properties. This amino acid position is conserved. In addition, this alteration is predicted to be tolerated by in silico analysis. Based on the available evidence, the clinical significance of this variant remains unclear.

Labcorp Genetics (formerly Invitae), Labcorp
Classification: Uncertain significance for Hereditary breast ovarian cancer syndrome. Last evaluated: 2025-03-26. Review status: criteria provided, single submitter. Criteria: Invitae Variant Classification Sherloc (09022015). Collection method: clinical testing. Allele origin: germline.
Comment: This sequence change replaces proline, which is neutral and non-polar, with alanine, which is neutral and non-polar, at codon 655 of the BRCA2 protein (p.Pro655Ala). This variant is not present in population databases (gnomAD no frequency). This variant has not been reported in the literature in individuals affected with BRCA2-related conditions. Invitae Evidence Modeling of protein sequence and biophysical properties (such as structural, functional, and spatial information, amino acid conservation, physicochemical variation, residue mobility, and thermodynamic stability) indicates that this missense variant is not expected to disrupt BRCA2 protein function with a negative predictive value of 95%. In summary, the available evidence is currently insufficient to determine the role of this variant in disease. Therefore, it has been classified as a Variant of Uncertain Significance.